The following is an entry in ClinVar:

NM_002755.4(MAP2K1):c.961C>T (p.Pro321Ser)

Gene: MAP2K1 (mitogen-activated protein kinase kinase 1; plus strand). Cytogenetic location: 15q22.31.
Variant type: single nucleotide variant.
Coding change: c.961C>T on transcript NM_002755.4 (MANE Select); coding-DNA position 961, C replaced by T.
Protein change: p.Pro321Ser; replaces proline 321 with serine.
Molecular consequence: missense variant.
Genome position (GRCh38, 1-based): chr15:66,489,215, C>T. VCF-style: chr15-66489215-C-T. GRCh37 (hg19) VCF-style: chr15-66781553-C-T.
Other names: p.Pro321Ser; short protein forms P321S.
Identifiers: ClinVar variation 582017 (VCV000582017.12), dbSNP rs771613524, ClinGen allele CA7624067.

ClinVar aggregate classification (germline): Conflicting classifications of pathogenicity. Review status: criteria provided, conflicting classifications (1 of 4 stars). 5 submissions from 5 submitters: Uncertain significance (3); Likely benign (2). Last evaluated 2025-08-13.

Conditions:
Noonan syndrome 1 (NS1). Also called: FEMALE PSEUDO-TURNER SYNDROME; TURNER PHENOTYPE WITH NORMAL KARYOTYPE; PTPN11-Related Noonan Syndrome. Identifiers: Orphanet 648, MedGen C4551602, MONDO:0008104, OMIM 163950. Disease mechanism: gain of function.
Cardiofaciocutaneous syndrome 3 (CFC3). Also called: MAP2K1-Related Cardiofaciocutaneous Syndrome. Identifiers: Orphanet 1340, MedGen C3809006, MONDO:0014113, OMIM 615279.
Cardiovascular phenotype. Identifiers: MedGen CN230736.
RASopathy. Also called: rasopathies; Noonan spectrum disorder. Identifiers: Orphanet 536391, MedGen C5555857, MONDO:0021060.

Allele frequency attached by ClinVar (database versions not stated): gnomAD 0.00001 and 0.00002; gnomAD exomes 0.00001 and 0.00005; ExAC 0.00002; TOPMed 0.00002.
gnomAD v4.1: 24 of 1,613,460 alleles (0.0015%); highest among the groups gnomAD compares: Admixed American, 0.04%; no homozygotes.

Submissions (5):

Labcorp Genetics (formerly Invitae), Labcorp
Classification: Uncertain significance for RASopathy. Last evaluated: 2025-08-13. Review status: criteria provided, single submitter. Criteria: Invitae Variant Classification Sherloc (09022015). Collection method: clinical testing. Allele origin: germline.
Comment: This sequence change replaces proline, which is neutral and non-polar, with serine, which is neutral and polar, at codon 321 of the MAP2K1 protein (p.Pro321Ser). This variant is present in population databases (rs771613524, gnomAD 0.04%), and has an allele count higher than expected for a pathogenic variant. This variant has not been reported in the literature in individuals affected with MAP2K1-related conditions. ClinVar contains an entry for this variant (Variation ID: 582017). Invitae Evidence Modeling of protein sequence and biophysical properties (such as structural, functional, and spatial information, amino acid conservation, physicochemical variation, residue mobility, and thermodynamic stability) has been performed for this missense variant. However, the output from this modeling did not meet the statistical confidence thresholds required to predict the impact of this variant on MAP2K1 protein function. In summary, the available evidence is currently insufficient to determine the role of this variant in disease. Therefore, it has been classified as a Variant of Uncertain Significance.

Mayo Clinic Laboratories, Mayo Clinic
Classification: Uncertain significance. Last evaluated: 2023-05-17. Review status: criteria provided, single submitter. Criteria: ACMG Guidelines, 2015. Collection method: clinical testing. Allele origin: germline. Observed: 1 variant allele.

Ambry Genetics
Classification: Likely benign for Cardiovascular phenotype. Last evaluated: 2021-02-10. Review status: criteria provided, single submitter. Criteria: Ambry Variant Classification Scheme 2023. Collection method: clinical testing. Allele origin: germline.

GeneDx
Classification: Likely benign. Last evaluated: 2020-10-08. Review status: criteria provided, single submitter. Criteria: GeneDx Variant Classification Process June 2021. Collection method: clinical testing. Allele origin: germline. Affected: yes.
Comment: Has not been previously published as pathogenic or benign to our knowledge; Reported in ClinVar but additional evidence is not available (ClinVar Variant ID #582017; Landrum et al., 2016); Missense variants in this gene are often considered pathogenic (Stenson et al., 2014); In silico analysis supports that this missense variant has a deleterious effect on protein structure/function

Fulgent Genetics
Classification: Uncertain significance for Noonan syndrome 1; Cardiofaciocutaneous syndrome 3. Last evaluated: 2018-10-31. Review status: criteria provided, single submitter. Criteria: ACMG Guidelines, 2015. Collection method: clinical testing. Allele origin: unknown.

Literature cited by the submitters: PubMed 34308104 (cited by Mayo Clinic Laboratories, Mayo Clinic).